The following is an entry in ClinVar:

NM_001379270.1(CNGA1):c.1630A>G (p.Ser544Gly)

Genes: CNGA1 (cyclic nucleotide gated channel subunit alpha 1; minus strand), LOC101927157 (uncharacterized LOC101927157; plus strand). Cytogenetic location: 4p12.
Variant type: single nucleotide variant.
Coding change: c.1630A>G on transcript NM_001379270.1 (MANE Select); coding-DNA position 1630, A replaced by G.
Protein change: p.Ser544Gly; replaces serine 544 with glycine.
Molecular consequence: missense variant.
Genome position (GRCh38, 1-based): chr4:47,936,852, T>C on the plus strand (A>G on the coding strand, the complement: CNGA1 is on the minus strand). VCF-style: chr4-47936852-T-C. GRCh37 (hg19) VCF-style: chr4-47938869-T-C.
Other names: c.1630A>G, p.Ser544Gly (NM_000087.5, NM_001142564.2); short protein forms S544G.
Identifiers: ClinVar variation 1349273 (VCV001349273.8), dbSNP rs1738678531, ClinGen allele CA356824805.

ClinVar aggregate classification (germline): Uncertain significance (1 of 4 stars; one submission).

Allele frequency attached by ClinVar (database versions not stated): gnomAD exomes below 0.00001.
gnomAD v4.1: 1 of 1,614,170 alleles (0.000062%); highest among the groups gnomAD compares: Non-Finnish European, 0.000085%; no homozygotes.

Submission:

Labcorp Genetics (formerly Invitae), Labcorp
Classification: Uncertain significance. Last evaluated: 2021-04-27. Review status: criteria provided, single submitter. Criteria: Invitae Variant Classification Sherloc (09022015). Collection method: clinical testing. Allele origin: germline.
Comment: This sequence change replaces serine with glycine at codon 548 of the CNGA1 protein (p.Ser548Gly). The serine residue is highly conserved and there is a small physicochemical difference between serine and glycine. This variant is not present in population databases (ExAC no frequency). In summary, the available evidence is currently insufficient to determine the role of this variant in disease. Therefore, it has been classified as a Variant of Uncertain Significance. Algorithms developed to predict the effect of missense changes on protein structure and function (SIFT, PolyPhen-2, Align-GVGD) all suggest that this variant is likely to be disruptive, but these predictions have not been confirmed by published functional studies and their clinical significance is uncertain. This variant has not been reported in the literature in individuals with CNGA1-related conditions.